The following is an entry in ClinVar:

ClinVar aggregate classification (germline): Uncertain significance (1 of 4 stars; one submission).

Submission:

GeneDx
Classification: Uncertain significance. Last evaluated: 2016-09-22. Review status: criteria provided, single submitter. Criteria: GeneDx Variant Classification (06012015). Collection method: clinical testing. Allele origin: germline. Affected: yes.
Comment: This variant is denoted BMPR1A c.1405G>A at the cDNA level, p.Asp469Asn (D469N) at the protein level, and results in the change of an Aspartic Acid to an Asparagine (GAT>AAT). This variant has not, to our knowledge, been published in the literature as pathogenic or benign. BMPR1A Asp469Asn was not observed in approximately 6,500 individuals of European and African American ancestry in the NHLBI Exome Sequencing Project, suggesting it is not a common benign variant in these populations. Since Aspartic Acid and Asparagine differ in some properties, this is considered a semi-conservative amino acid substitution. BMPR1A Asp469Asn occurs at a position that is conserved across species and is located in the protein kinase domain (Howe 2004). In silico analyses predict that this variant is probably damaging to protein structure and function. Based on currently available evidence, it is unclear whether BMPR1A Asp469Asn is a pathogenic or benign variant. We consider it to be a variant of uncertain significance.

NM_004329.3(BMPR1A):c.1405G>A (p.Asp469Asn)

Gene: BMPR1A (bone morphogenetic protein receptor type 1A; plus strand). Cytogenetic location: 10q23.2.
Variant type: single nucleotide variant.
Coding change: c.1405G>A on transcript NM_004329.3 (MANE Select); coding-DNA position 1405, G replaced by A.
Protein change: p.Asp469Asn; replaces aspartic acid 469 with asparagine.
Molecular consequence: missense variant.
Genome position (GRCh38, 1-based): chr10:86,923,438, G>A. VCF-style: chr10-86923438-G-A. GRCh37 (hg19) VCF-style: chr10-88683195-G-A.
Other names: short protein forms D469N.
Identifiers: ClinVar variation 419870 (VCV000419870.2), dbSNP rs1064794161, ClinGen allele CA16619012.
Genomic context (GRCh38, chr10:86,923,438, plus strand): 5'-ATCGTGGAAGAATACCAATTGCCATATTACAACATGGTACCGAGTGATCCGTCATACGAA[G>A]ATATGCGTGAGGTTGTGTGTGTCAAACGTTTGCGGCCAATTGTGTCTAATCGGTGGAACA-3'
Protein context (NP_004320.2, residues 459-479): NMVPSDPSYE[Asp469Asn]MREVVCVKRL